The following is an entry in ClinVar:

ClinVar aggregate classification (germline): Conflicting classifications of pathogenicity. Review status: criteria provided, conflicting classifications (1 of 4 stars). 7 submissions from 7 submitters: Uncertain significance (1); Benign (3); Likely benign (3). Last evaluated 2026-08-01.

Conditions:
Autosomal dominant epilepsy with auditory features. Identifiers: Orphanet 101046, MedGen C1838062, MONDO:0010898.
Inborn genetic diseases. Identifiers: MedGen C0950123, MeSH D030342.
Epilepsy, familial temporal lobe, 1. Identifiers: Orphanet 101046, MedGen CN030884, MONDO:0700090, OMIM 600512.

Allele frequency attached by ClinVar (database versions not stated): 1000 Genomes Project 30x 0.00031; 1000 Genomes Project 0.00040; TOPMed 0.00098; ESP Exome Variant Server 0.00108; gnomAD 0.00108 and 0.00113; gnomAD exomes 0.00119 and 0.00153; ExAC 0.00121.
gnomAD v4.1: 2,388 of 1,613,986 alleles (0.15%); highest among the groups gnomAD compares: Non-Finnish European, 0.18%; 4 homozygotes.

Submissions (7):

CeGaT Center for Human Genetics Tuebingen
Classification: Likely benign. Last evaluated: 2026-08-01. Review status: criteria provided, single submitter. Criteria: CeGaT Center For Human Genetics Tuebingen Variant Classification Criteria Version 2. Collection method: clinical testing. Allele origin: germline. Affected: yes. Observed: 12 variant alleles.
Comment: LGI1: BP4, BP7

Labcorp Genetics (formerly Invitae), Labcorp
Classification: Benign for Autosomal dominant epilepsy with auditory features. Last evaluated: 2026-01-31. Review status: criteria provided, single submitter. Criteria: Invitae Variant Classification Sherloc (09022015). Collection method: clinical testing. Allele origin: germline.

Blueprint Genetics
Classification: Likely benign. Last evaluated: 2024-11-13. Review status: criteria provided, single submitter. Criteria: ACMG Guidelines, 2015. Collection method: clinical testing. Allele origin: germline.

Mayo Clinic Laboratories, Mayo Clinic
Classification: Benign. Last evaluated: 2024-11-06. Review status: criteria provided, single submitter. Criteria: ACMG Guidelines, 2015. Collection method: clinical testing. Allele origin: germline. Observed: 1 variant allele.
Comment: BS1, BS2, BP4, BP7

Illumina Laboratory Services, Illumina
Classification: Uncertain significance for Epilepsy, familial temporal lobe, 1. Last evaluated: 2018-01-12. Review status: criteria provided, single submitter. Criteria: ICSL Variant Classification Criteria 13 December 2019. Collection method: clinical testing. Allele origin: germline.

Ambry Genetics
Classification: Likely benign for Inborn genetic diseases. Last evaluated: 2016-11-03. Review status: criteria provided, single submitter. Criteria: Ambry Variant Classification Scheme 2023. Collection method: clinical testing. Allele origin: germline.

GeneDx
Classification: Benign. Last evaluated: 2014-01-24. Review status: criteria provided, single submitter. Criteria: GeneDx Variant Classification (06012015). Collection method: clinical testing. Allele origin: germline. Affected: yes.
Comment: This variant is considered likely benign or benign based on one or more of the following criteria: it is a conservative change, it occurs at a poorly conserved position in the protein, it is predicted to be benign by multiple in silico algorithms, and/or has population frequency not consistent with disease.

NM_005097.4(LGI1):c.345A>G (p.Pro115=)

Gene: LGI1 (leucine rich glioma inactivated 1; plus strand). Cytogenetic location: 10q23.33.
Variant type: single nucleotide variant.
Coding change: c.345A>G on transcript NM_005097.4 (MANE Select); coding-DNA position 345, A replaced by G.
Protein change: p.Pro115=; no amino-acid change (proline 115 retained).
Molecular consequence: synonymous variant. On other transcripts: intron variant (1).
Genome position (GRCh38, 1-based): chr10:93,777,436, A>G. VCF-style: chr10-93777436-A-G. GRCh37 (hg19) VCF-style: chr10-95537193-A-G.
Other names: p.P115P:CCA>CCG; p.Pro115=; c.345A>G, p.Pro115= (NM_001308275.2); c.288-12663A>G (NM_001308276.2).
Identifiers: ClinVar variation 138112 (VCV000138112.50), dbSNP rs151104648, ClinGen allele CA291919.